The following is an entry in ClinVar:

ClinVar aggregate classification (germline): Uncertain significance (1 of 4 stars; one submission).

Submission:

GeneDx
Classification: Uncertain significance. Last evaluated: 2023-12-01. Review status: criteria provided, single submitter. Criteria: GeneDx Variant Classification Process June 2021. Collection method: clinical testing. Allele origin: germline. Affected: yes.
Comment: Not observed at significant frequency in large population cohorts (gnomAD); In-frame deletion of 4 amino acids in a non-repeat region; In silico analysis supports that this variant does not alter protein structure/function; Has not been previously published as pathogenic or benign to our knowledge

NM_001197104.2(KMT2A):c.273_284del (p.Ser95_Ser98del)

Gene: KMT2A (lysine methyltransferase 2A; plus strand). Cytogenetic location: 11q23.3.
Variant type: Deletion.
Coding change: c.273_284del on transcript NM_001197104.2 (MANE Select); coding-DNA positions 273 to 284, 12 bases deleted (TTCGTCTTCGTC).
Protein change: p.Ser95_Ser98del.
Molecular consequence: inframe indel (on NM_001197104.1).
Genome position (GRCh38, 1-based): chr11:118,436,785-118,436,796, TTCGTCTTCGTC deleted; deleting any 12 consecutive bases within chr11:118,436,780-118,436,796 gives the same sequence; the c. name uses the placement nearest the transcript's 3' end. VCF-style (leftmost placement, unchanged base first): chr11-118436779-CTCGTCTTCGTCT-C. GRCh37 (hg19) VCF-style: chr11-118307494-CTCGTCTTCGTCT-C.
Other names: c.273_284delTTCGTCTTCGTC, p.Ser95_Ser98del (NM_001197104.1); c.273_284del, p.Ser95_Ser98del (NM_001412597.1, NM_005933.4).
Identifiers: ClinVar variation 3364938 (VCV003364938.1).